The following is an entry in ClinVar:

ClinVar aggregate classification (germline): Uncertain significance. Review status: criteria provided, multiple submitters, no conflicts (2 of 4 stars). 2 submissions from 2 submitters: Uncertain significance (2). Last evaluated 2023-06-05.

Conditions:
KRAS-related disorder. Also called: KRAS-related disorders; KRAS-related condition.

Allele frequency attached by ClinVar (database versions not stated): gnomAD exomes below 0.00001 and 0.00001; TOPMed below 0.00001; ExAC 0.00001; gnomAD 0.00001.
gnomAD v4.1: 14 of 1,612,972 alleles (0.00087%); highest among the groups gnomAD compares: Middle Eastern, 0.016%; no homozygotes.

Submissions (2):

PreventionGenetics, part of Exact Sciences
Classification: Uncertain significance for KRAS-related condition. Last evaluated: 2023-06-05. Review status: criteria provided, single submitter. Criteria: ACMG Guidelines, 2015. Collection method: clinical testing. Allele origin: germline.
Comment: The KRAS c.562A>G variant is predicted to result in the amino acid substitution p.Ile188Val. To our knowledge, this variant has not been reported in the literature. This variant is reported in 0.0080% of alleles in individuals of African descent in gnomAD. Of note, in a different transcript (NM_004985), this variant is deep intronic (c.451-5538A>G). In ClinVar, this variant is interpreted as uncertain. At this time, the clinical significance of this variant is uncertain due to the absence of conclusive functional and genetic evidence.

Women's Health and Genetics/Laboratory Corporation of America, LabCorp
Classification: Uncertain significance. Last evaluated: 2017-10-10. Review status: criteria provided, single submitter. Criteria: LabCorp Variant Classification Summary - May 2015. Collection method: clinical testing. Allele origin: germline.
Comment: Variant summary: The KRAS c.562A>G (p.Ile188Val) variant located in the small GTP-binding protein domain (via InterPro) involves the alteration of a non-conserved nucleotide and 3/4 in silico tools predict a benign outcome for this variant (SNPsandGO not captured due to low reliability index). However, these predictions have yet to be functionally assessed. This variant was found in 3/276902 control chromosomes, predominantly observed in the African subpopulation at a frequency of 0.000083 (2/24028). This frequency is about 7 times the estimated maximal expected allele frequency of a pathogenic KRAS variant (0.0000125), suggesting this is possibly a benign polymorphism found primarily in the populations of African origin, although the allele count is small. In addition, this observation needs to be cautiously considered due to the gnomAD cohort could harbor individuals with a KRAS phenotype. The variant of interest has not, to our knowledge, been reported in affected individuals via publications and/or reputable databases/clinical diagnostic laboratories. Because of the absence of clinical information and the lack of functional studies, the variant is classified as a "Variant of Uncertain Significance (VUS)," until additional information becomes available.

NM_004985.5(KRAS):c.451-5538A>G

Gene: KRAS (KRAS proto-oncogene, GTPase; minus strand). Cytogenetic location: 12p12.1.
Variant type: single nucleotide variant.
Coding change: c.451-5538A>G on transcript NM_004985.5 (MANE Select); 5538 bases into the intron before coding-DNA position 451, A replaced by G.
Molecular consequence: intron variant. On other transcripts: missense variant (2).
Genome position (GRCh38, 1-based): chr12:25,215,449, T>C on the plus strand (A>G on the coding strand, the complement: KRAS is on the minus strand). VCF-style: chr12-25215449-T-C. GRCh37 (hg19) VCF-style: chr12-25368383-T-C.
Other names: c.562A>G, p.Ile188Val (LRG_344t2, NM_001369786.1, NM_033360.4); c.451-5538A>G (LRG_344t1, NM_001369787.1); c.562A>G (NM_033360.3); short protein forms I188V.
Identifiers: ClinVar variation 632869 (VCV000632869.2), dbSNP rs755967833, ClinGen allele CA6486849.